The following is an entry in ClinVar:

ClinVar aggregate classification (germline): Uncertain significance (1 of 4 stars; one submission).

Conditions:
Hypertrophic cardiomyopathy. Also called: HYPERTROPHIC MYOCARDIOPATHY. Identifiers: Orphanet 217569, MedGen C0007194, MeSH D002312, MONDO:0005045, HP:0001639.

gnomAD v4.1: 1 of 1,553,298 alleles (0.000064%); highest among the groups gnomAD compares: Non-Finnish European, 0.000086%; no homozygotes.

Submission:

Labcorp Genetics (formerly Invitae), Labcorp
Classification: Uncertain significance for Hypertrophic cardiomyopathy. Last evaluated: 2024-12-15. Review status: criteria provided, single submitter. Criteria: Invitae Variant Classification Sherloc (09022015). Collection method: clinical testing. Allele origin: germline.
Comment: This sequence change replaces alanine, which is neutral and non-polar, with valine, which is neutral and non-polar, at codon 120 of the MYBPC3 protein (p.Ala120Val). This variant is not present in population databases (gnomAD no frequency). This variant has not been reported in the literature in individuals affected with MYBPC3-related conditions. An algorithm developed to predict the effect of missense changes on protein structure and function outputs the following: PolyPhen-2: "Benign". The valine amino acid residue is found in multiple mammalian species, which suggests that this missense change does not adversely affect protein function. In summary, the available evidence is currently insufficient to determine the role of this variant in disease. Therefore, it has been classified as a Variant of Uncertain Significance.

NM_000256.3(MYBPC3):c.359C>T (p.Ala120Val)

Gene: MYBPC3 (myosin binding protein C3; minus strand). Cytogenetic location: 11p11.2.
Variant type: single nucleotide variant.
Coding change: c.359C>T on transcript NM_000256.3 (MANE Select); coding-DNA position 359, C replaced by T.
Protein change: p.Ala120Val; replaces alanine 120 with valine.
Molecular consequence: missense variant.
Genome position (GRCh38, 1-based): chr11:47,350,549, G>A on the plus strand (C>T on the coding strand, the complement: MYBPC3 is on the minus strand). VCF-style: chr11-47350549-G-A. GRCh37 (hg19) VCF-style: chr11-47372100-G-A.
Other names: short protein forms A120V.
Identifiers: ClinVar variation 3702902 (VCV003702902.2).